The following is an entry in ClinVar:

NM_176822.4(NLRP14):c.3018C>A (p.Leu1006=)

Gene: NLRP14 (NLR family pyrin domain containing 14; plus strand). Cytogenetic location: 11p15.4.
Variant type: single nucleotide variant.
Coding change: c.3018C>A on transcript NM_176822.4 (MANE Select); coding-DNA position 3018, C replaced by A.
Protein change: p.Leu1006=; no amino-acid change (leucine 1006 retained).
Molecular consequence: synonymous variant.
Genome position (GRCh38, 1-based): chr11:7,070,328, C>A. VCF-style: chr11-7070328-C-A. GRCh37 (hg19) VCF-style: chr11-7091559-C-A.
Identifiers: ClinVar variation 2641574 (VCV002641574.24), dbSNP rs1333599373, ClinGen allele CA472954213.

ClinVar aggregate classification (germline): Likely benign (1 of 4 stars; one submission).

gnomAD v4.1: 27 of 1,611,696 alleles (0.0017%); highest among the groups gnomAD compares: Non-Finnish European, 0.002%; no homozygotes.

Submission:

CeGaT Center for Human Genetics Tuebingen
Classification: Likely benign. Last evaluated: 2022-05-01. Review status: criteria provided, single submitter. Criteria: CeGaT Center For Human Genetics Tuebingen Variant Classification Criteria Version 2. Collection method: clinical testing. Allele origin: germline. Affected: yes. Observed: 1 variant allele.
Comment: NLRP14: BP4, BP7